The following is an entry in ClinVar:

ClinVar aggregate classification (germline): Benign (0 of 4 stars; one submission).

Conditions:
YTHDC2-related disorder. Also called: YTHDC2-related condition.

Allele frequency attached by ClinVar (database versions not stated): 1000 Genomes Project 30x 0.00031; 1000 Genomes Project 0.00040; gnomAD exomes 0.00062; ESP Exome Variant Server 0.00064; gnomAD 0.00066; TOPMed 0.00068; ExAC 0.00150.
gnomAD v4.1: 950 of 1,433,164 alleles (0.066%); highest among the groups gnomAD compares: Middle Eastern, 0.68%; 3 homozygotes.

Submission:

PreventionGenetics, part of Exact Sciences
Classification: Benign for YTHDC2-related condition. Last evaluated: 2019-03-18. Review status: no assertion criteria provided. Collection method: clinical testing. Allele origin: germline.
Comment: This variant is classified as benign based on ACMG/AMP sequence variant interpretation guidelines (Richards et al. 2015 PMID: 25741868, with internal and published modifications).

NM_022828.5(YTHDC2):c.1166A>T (p.Tyr389Phe)

Gene: YTHDC2 (YTH N6-methyladenosine RNA binding protein C2; plus strand). Cytogenetic location: 5q22.2.
Variant type: single nucleotide variant.
Coding change: c.1166A>T on transcript NM_022828.5 (MANE Select); coding-DNA position 1166, A replaced by T.
Protein change: p.Tyr389Phe; replaces tyrosine 389 with phenylalanine.
Molecular consequence: missense variant.
Genome position (GRCh38, 1-based): chr5:113,539,137, A>T. VCF-style: chr5-113539137-A-T. GRCh37 (hg19) VCF-style: chr5-112874834-A-T.
Other names: c.680A>T, p.Tyr227Phe (NM_001345975.2); c.266A>T, p.Tyr89Phe (NM_001345976.2); short protein forms Y227F, Y389F, Y89F.
Identifiers: ClinVar variation 3056641 (VCV003056641.2), dbSNP rs139636169, ClinGen allele CA3371697.